The following is an entry in ClinVar:

ClinVar aggregate classification (germline): Uncertain significance. Review status: criteria provided, multiple submitters, no conflicts (2 of 4 stars). 3 submissions from 3 submitters: Uncertain significance (3). Last evaluated 2025-10-23.

Conditions:
Cardiovascular phenotype. Identifiers: MedGen CN230736.
Alagille syndrome due to a JAG1 point mutation. Also called: HEPATIC DUCTULAR HYPOPLASIA, SYNDROMATIC; Alagille Syndrome 1; JAG1-Related Alagille Syndrome. Identifiers: Orphanet 261619, Orphanet 52, MedGen C1956125, MONDO:0016862, OMIM 118450.

gnomAD v4.1: 4 of 1,243,774 alleles (0.00032%); highest among the groups gnomAD compares: Admixed American, 0.0043%; no homozygotes.

Submissions (3):

Ambry Genetics
Classification: Uncertain significance for Cardiovascular phenotype. Last evaluated: 2025-10-23. Review status: criteria provided, single submitter. Criteria: Ambry Variant Classification Scheme 2023. Collection method: clinical testing. Allele origin: germline.
Comment: The p.R2H variant (also known as c.5G>A), located in coding exon 1 of the JAG1 gene, results from a G to A substitution at nucleotide position 5. The arginine at codon 2 is replaced by histidine, an amino acid with highly similar properties. This amino acid position is conserved. In addition, this alteration is predicted to be tolerated by in silico analysis. Since supporting evidence is limited at this time, the clinical significance of this alteration remains unclear.

Labcorp Genetics (formerly Invitae), Labcorp
Classification: Uncertain significance for Alagille syndrome due to a JAG1 point mutation. Last evaluated: 2025-01-06. Review status: criteria provided, single submitter. Criteria: Invitae Variant Classification Sherloc (09022015). Collection method: clinical testing. Allele origin: germline.
Comment: This sequence change replaces arginine, which is basic and polar, with histidine, which is basic and polar, at codon 2 of the JAG1 protein (p.Arg2His). This variant is not present in population databases (gnomAD no frequency). This variant has not been reported in the literature in individuals affected with JAG1-related conditions. ClinVar contains an entry for this variant (Variation ID: 1750998). Invitae Evidence Modeling of protein sequence and biophysical properties (such as structural, functional, and spatial information, amino acid conservation, physicochemical variation, residue mobility, and thermodynamic stability) indicates that this missense variant is not expected to disrupt JAG1 protein function with a negative predictive value of 95%. In summary, the available evidence is currently insufficient to determine the role of this variant in disease. Therefore, it has been classified as a Variant of Uncertain Significance.

Blueprint Genetics
Classification: Uncertain significance. Last evaluated: 2024-07-02. Review status: criteria provided, single submitter. Criteria: ACMG Guidelines, 2015. Collection method: clinical testing. Allele origin: germline.

NM_000214.3(JAG1):c.5G>A (p.Arg2His)

Gene: JAG1 (jagged canonical Notch ligand 1; minus strand). Cytogenetic location: 20p12.2.
Variant type: single nucleotide variant.
Coding change: c.5G>A on transcript NM_000214.3 (MANE Select); coding-DNA position 5, G replaced by A.
Protein change: p.Arg2His; replaces arginine 2 with histidine.
Molecular consequence: missense variant.
Genome position (GRCh38, 1-based): chr20:10,673,526, C>T on the plus strand (G>A on the coding strand, the complement: JAG1 is on the minus strand). VCF-style: chr20-10673526-C-T. GRCh37 (hg19) VCF-style: chr20-10654174-C-T.
Other names: short protein forms R2H.
Identifiers: ClinVar variation 1750998 (VCV001750998.7), dbSNP rs1026004197, ClinGen allele CA408244358.
Genomic context (GRCh38, chr20:10,673,526, plus strand): 5'-CAGAGCAGGGCGAGCAGGAGGCTTAGGGGGCGCCCGGACCGGCCGCGCGTCCGTGGGGAA[C>T]GCATCGCTGCGCCGCGCGCCGCGGGCACTCGGGACGCCGCCGCTGCTGTTCGCGCTGGTG-3'
Protein context (NP_000205.1, residues 1-12): M[Arg2His]SPRTRGRSGR